The following is an entry in ClinVar:

ClinVar aggregate classification (germline): Uncertain significance (1 of 4 stars; one submission).

Submission:

GeneDx
Classification: Uncertain significance. Last evaluated: 2022-06-11. Review status: criteria provided, single submitter. Criteria: GeneDx Variant Classification Process June 2021. Collection method: clinical testing. Allele origin: germline. Affected: yes.
Comment: Not observed at significant frequency in large population cohorts (gnomAD); In silico analysis supports that this missense variant does not alter protein structure/function; Has not been previously published as pathogenic or benign to our knowledge

NM_015570.4(AUTS2):c.2440G>C (p.Glu814Gln)

Gene: AUTS2 (activator of transcription and developmental regulator AUTS2; plus strand). Cytogenetic location: 7q11.22.
Variant type: single nucleotide variant.
Coding change: c.2440G>C on transcript NM_015570.4 (MANE Select); coding-DNA position 2440, G replaced by C.
Protein change: p.Glu814Gln; replaces glutamic acid 814 with glutamine.
Molecular consequence: missense variant.
Genome position (GRCh38, 1-based): chr7:70,787,340, G>C. VCF-style: chr7-70787340-G-C. GRCh37 (hg19) VCF-style: chr7-70252326-G-C.
Other names: c.2368G>C, p.Glu790Gln (NM_001127231.3); short protein forms E790Q, E814Q.
Identifiers: ClinVar variation 1803351 (VCV001803351.1), dbSNP rs942210356, ClinGen allele CA367664084.